The following is an entry in ClinVar:

NM_018557.3(LRP1B):c.3215G>A (p.Arg1072His)

Gene: LRP1B (LDL receptor related protein 1B; minus strand). Cytogenetic location: 2q22.1.
Variant type: single nucleotide variant.
Coding change: c.3215G>A on transcript NM_018557.3 (MANE Select); coding-DNA position 3215, G replaced by A.
Protein change: p.Arg1072His; replaces arginine 1072 with histidine.
Molecular consequence: missense variant.
Genome position (GRCh38, 1-based): chr2:140,923,069, C>T on the plus strand (G>A on the coding strand, the complement: LRP1B is on the minus strand). VCF-style: chr2-140923069-C-T. GRCh37 (hg19) VCF-style: chr2-141680638-C-T.
Other names: short protein forms R1072H.
Identifiers: ClinVar variation 3042428 (VCV003042428.2), dbSNP rs370586151, ClinGen allele CA1895460.

ClinVar aggregate classification (germline): Benign (0 of 4 stars; one submission).

Conditions:
LRP1B-related disorder. Also called: LRP1B-related condition.

Allele frequency attached by ClinVar (database versions not stated): gnomAD 0.00111; 1000 Genomes Project 30x 0.00843; 1000 Genomes Project 0.00978.
gnomAD v4.1: 2,608 of 1,612,950 alleles (0.16%); highest among the groups gnomAD compares: South Asian, 2.7%; 58 homozygotes.

Submission:

PreventionGenetics, part of Exact Sciences
Classification: Benign for LRP1B-related condition. Last evaluated: 2019-06-27. Review status: no assertion criteria provided. Collection method: clinical testing. Allele origin: germline.
Comment: This variant is classified as benign based on ACMG/AMP sequence variant interpretation guidelines (Richards et al. 2015 PMID: 25741868, with internal and published modifications).